The following is an entry in ClinVar:

NM_018255.4(ELP2):c.2396C>T (p.Ala799Val)

Gene: ELP2 (elongator acetyltransferase complex subunit 2; plus strand). Cytogenetic location: 18q12.2.
Variant type: single nucleotide variant.
Coding change: c.2396C>T on transcript NM_018255.4 (MANE Select); coding-DNA position 2396, C replaced by T.
Protein change: p.Ala799Val; replaces alanine 799 with valine.
Molecular consequence: missense variant. On other transcripts: non-coding transcript variant (4).
Genome position (GRCh38, 1-based): chr18:36,174,556, C>T. VCF-style: chr18-36174556-C-T. GRCh37 (hg19) VCF-style: chr18-33754519-C-T.
Other names: c.2591C>T, p.Ala864Val (NM_001242875.3); c.2381C>T, p.Ala794Val (NM_001242876.3); c.2318C>T, p.Ala773Val (NM_001242877.3); c.2186C>T, p.Ala729Val (NM_001242878.3, NM_001242879.3); c.2264C>T, p.Ala755Val (NM_001324465.2); c.2513C>T, p.Ala838Val (NM_001324466.2); c.2246C>T, p.Ala749Val (NM_001324467.2); c.1949C>T, p.Ala650Val (NM_001324468.2); short protein forms A749V, A773V, A838V, A864V, A794V, A755V, A799V, A650V.
Identifiers: ClinVar variation 788374 (VCV000788374.37), dbSNP rs35629953, ClinGen allele CA8940243.

ClinVar aggregate classification (germline): Conflicting classifications of pathogenicity. Review status: criteria provided, conflicting classifications (1 of 4 stars). 4 submissions from 4 submitters: Uncertain significance (1); Likely benign (3). Last evaluated 2026-08-01.

Conditions:
Intellectual developmental disorder, autosomal recessive 58. Also called: Intellectual disability, autosomal recessive 58. Identifiers: MedGen C4310641, MONDO:0014996, OMIM 617270.
Inborn genetic diseases. Identifiers: MedGen C0950123, MeSH D030342.

Allele frequency attached by ClinVar (database versions not stated): 1000 Genomes Project 0.00140; 1000 Genomes Project 30x 0.00141; ExAC 0.00307; gnomAD exomes 0.00322; gnomAD 0.00376 and 0.00409; TOPMed 0.00400; ESP Exome Variant Server 0.00600.
gnomAD v4.1: 8,698 of 1,614,030 alleles (0.54%); highest among the groups gnomAD compares: Non-Finnish European, 0.67%; 39 homozygotes.

Submissions (4):

CeGaT Center for Human Genetics Tuebingen
Classification: Likely benign. Last evaluated: 2026-08-01. Review status: criteria provided, single submitter. Criteria: CeGaT Center For Human Genetics Tuebingen Variant Classification Criteria Version 2. Collection method: clinical testing. Allele origin: germline. Affected: yes. Observed: 18 variant alleles.
Comment: ELP2: BP4, BS2

Ambry Genetics
Classification: Likely benign for Inborn genetic diseases. Last evaluated: 2025-03-07. Review status: criteria provided, single submitter. Criteria: Ambry Variant Classification Scheme 2023. Collection method: clinical testing. Allele origin: germline.

Labcorp Genetics (formerly Invitae), Labcorp
Classification: Likely benign. Last evaluated: 2019-12-31. Review status: criteria provided, single submitter. Criteria: Invitae Variant Classification Sherloc (09022015). Collection method: clinical testing. Allele origin: germline.

Baylor Genetics
Classification: Uncertain significance for Intellectual developmental disorder, autosomal recessive 58. Last evaluated: 2018-11-09. Review status: criteria provided, single submitter. Criteria: ACMG Guidelines, 2015. Collection method: clinical testing. Allele origin: maternal. Affected: yes.
Comment: This variant was determined to be of uncertain significance according to ACMG Guidelines, 2015 [PMID:25741868].